The following is an entry in ClinVar:

ClinVar aggregate classification (germline): Likely benign. Review status: criteria provided, multiple submitters, no conflicts (2 of 4 stars). 2 submissions from 2 submitters: Likely benign (2). Last evaluated 2025-10-02.

Conditions:
Charcot-Marie-Tooth disease type 4. Also called: Charcot-Marie-Tooth disease, type IV; Charcot-Marie-Tooth, Type 4. Identifiers: Orphanet 64749, MedGen C4082197, MONDO:0018995.

Submissions (2):

Labcorp Genetics (formerly Invitae), Labcorp
Classification: Likely benign for Charcot-Marie-Tooth disease type 4. Last evaluated: 2025-10-02. Review status: criteria provided, single submitter. Criteria: Invitae Variant Classification Sherloc (09022015). Collection method: clinical testing. Allele origin: germline.

CeGaT Center for Human Genetics Tuebingen
Classification: Likely benign. Last evaluated: 2024-05-01. Review status: criteria provided, single submitter. Criteria: CeGaT Center For Human Genetics Tuebingen Variant Classification Criteria Version 2. Collection method: clinical testing. Allele origin: germline. Affected: yes. Observed: 1 variant allele.
Comment: PRX: PM2:Supporting, BP4, BP7

NM_181882.3(PRX):c.2241G>A (p.Leu747=)

Gene: PRX (periaxin; minus strand). Cytogenetic location: 19q13.2.
Variant type: single nucleotide variant.
Coding change: c.2241G>A on transcript NM_181882.3 (MANE Select); coding-DNA position 2241, G replaced by A.
Protein change: p.Leu747=; no amino-acid change (leucine 747 retained).
Molecular consequence: synonymous variant. On other transcripts: 3 prime UTR variant (1).
Genome position (GRCh38, 1-based): chr19:40,396,111, C>T on the plus strand (G>A on the coding strand, the complement: PRX is on the minus strand). VCF-style: chr19-40396111-C-T. GRCh37 (hg19) VCF-style: chr19-40902018-C-T.
Other names: c.2526G>A, p.Leu842= (NM_001411127.1); c.*2446G>A (NM_020956.2).
Identifiers: ClinVar variation 2995408 (VCV002995408.22), dbSNP rs2514803943, ClinGen allele CA507679305.